The following is an entry in ClinVar:

NM_177438.3(DICER1):c.3044G>A (p.Ser1015Asn)

Gene: DICER1 (dicer 1, ribonuclease III; minus strand). Cytogenetic location: 14q32.13.
Variant type: single nucleotide variant.
Coding change: c.3044G>A on transcript NM_177438.3 (MANE Select); coding-DNA position 3044, G replaced by A.
Protein change: p.Ser1015Asn; replaces serine 1015 with asparagine.
Molecular consequence: missense variant. On other transcripts: non-coding transcript variant (6).
Genome position (GRCh38, 1-based): chr14:95,105,727, C>T on the plus strand (G>A on the coding strand, the complement: DICER1 is on the minus strand). VCF-style: chr14-95105727-C-T. GRCh37 (hg19) VCF-style: chr14-95572064-C-T.
Other names: c.3044G>A, p.Ser1015Asn (NM_001195573.1, NM_001271282.3, NM_001291628.2 and 13 more transcripts); c.2762G>A, p.Ser921Asn (NM_001395686.1); c.2639G>A, p.Ser880Asn (NM_001395687.1, NM_001395688.1, NM_001395689.1 and 2 more transcripts); c.2477G>A, p.Ser826Asn (NM_001395691.1); c.1361G>A, p.Ser454Asn (NM_001395697.1); short protein forms S826N, S880N, S921N, S1015N, S454N.
Identifiers: ClinVar variation 1799187 (VCV001799187.3), dbSNP rs2542774382, ClinGen allele CA390878253.
Genomic context (GRCh38, chr14:95,105,727, plus strand): 5'-TAACTCATTACCTGTTTATTCTGCAGACTTTCCCATTTGGCTTTCCTCTTCTCAGCACTG[C>T]TTAAAGGAAGCGCTTTCCCCTTCTGATTCAAATGTCGAGGTGTCAAAAGATTAAGTCTGT-3'
Protein context (NP_803187.1, residues 1005-1025): LNQKGKALPL[Ser1015Asn]SAEKRKAKWE

ClinVar aggregate classification (germline): Uncertain significance. Review status: criteria provided, multiple submitters, no conflicts (2 of 4 stars). 2 submissions from 2 submitters: Uncertain significance (2). Last evaluated 2025-02-23.

Conditions:
Hereditary cancer-predisposing syndrome. Also called: Neoplastic Syndromes, Hereditary; Tumor predisposition; Hereditary neoplastic syndrome; Hereditary Cancer Syndrome. Identifiers: Orphanet 140162, MedGen C0027672, MeSH D009386, MONDO:0015356.
DICER1-related tumor predisposition. Also called: DICER1-related pleuropulmonary blastoma cancer predisposition syndrome; DICER1 syndrome. Identifiers: Orphanet 284343, MedGen C3839822, MONDO:0100216.

Allele frequency attached by ClinVar (database versions not stated): gnomAD exomes below 0.00001.
gnomAD v4.1: 1 of 1,614,158 alleles (0.000062%); highest among the groups gnomAD compares: Non-Finnish European, 0.000085%; no homozygotes.

Submissions (2):

Labcorp Genetics (formerly Invitae), Labcorp
Classification: Uncertain significance for DICER1-related tumor predisposition. Last evaluated: 2025-02-23. Review status: criteria provided, single submitter. Criteria: Invitae Variant Classification Sherloc (09022015). Collection method: clinical testing. Allele origin: germline.
Comment: This sequence change replaces serine, which is neutral and polar, with asparagine, which is neutral and polar, at codon 1015 of the DICER1 protein (p.Ser1015Asn). This variant is not present in population databases (gnomAD no frequency). This variant has not been reported in the literature in individuals affected with DICER1-related conditions. ClinVar contains an entry for this variant (Variation ID: 1799187). Invitae Evidence Modeling of protein sequence and biophysical properties (such as structural, functional, and spatial information, amino acid conservation, physicochemical variation, residue mobility, and thermodynamic stability) has been performed for this missense variant. However, the output from this modeling did not meet the statistical confidence thresholds required to predict the impact of this variant on DICER1 protein function. In summary, the available evidence is currently insufficient to determine the role of this variant in disease. Therefore, it has been classified as a Variant of Uncertain Significance.

Ambry Genetics
Classification: Uncertain significance for Hereditary cancer-predisposing syndrome. Last evaluated: 2020-06-17. Review status: criteria provided, single submitter. Criteria: Ambry Variant Classification Scheme 2023. Collection method: clinical testing. Allele origin: germline.
Comment: The p.S1015N variant (also known as c.3044G>A), located in coding exon 18 of the DICER1 gene, results from a G to A substitution at nucleotide position 3044. The serine at codon 1015 is replaced by asparagine, an amino acid with highly similar properties. This amino acid position is highly conserved in available vertebrate species. In addition, this alteration is predicted to be tolerated by in silico analysis. Since supporting evidence is limited at this time, the clinical significance of this alteration remains unclear.